The following is an entry in ClinVar:

ClinVar aggregate classification (germline): Uncertain significance. Review status: criteria provided, multiple submitters, no conflicts (2 of 4 stars). 3 submissions from 3 submitters: Uncertain significance (3). Last evaluated 2020-12-01.

Conditions:
Hereditary cancer-predisposing syndrome. Also called: Neoplastic Syndromes, Hereditary; Tumor predisposition; Hereditary Cancer Syndrome; Hereditary neoplastic syndrome. Identifiers: Orphanet 140162, MedGen C0027672, MeSH D009386, MONDO:0015356.

Allele frequency attached by ClinVar (database versions not stated): gnomAD exomes below 0.00001.
gnomAD v4.1: 1 of 1,614,064 alleles (0.000062%); highest among the groups gnomAD compares: Non-Finnish European, 0.000085%; no homozygotes.

Submissions (3):

Color Diagnostics, LLC DBA Color Health
Classification: Uncertain significance for Hereditary cancer-predisposing syndrome. Last evaluated: 2020-12-01. Review status: criteria provided, single submitter. Criteria: ACMG Guidelines, 2015. Collection method: clinical testing. Allele origin: germline.
Comment: This missense variant replaces proline with leucine at codon 1523 of the BRCA1 protein. Computational prediction is inconclusive regarding the impact of this variant on protein structure and function (internally defined REVEL score threshold 0.5 < inconclusive < 0.7, PMID: 27666373). To our knowledge, functional studies have not been reported for this variant. This variant has not been reported in individuals affected with hereditary cancer in the literature. This variant has not been identified in the general population by the Genome Aggregation Database (gnomAD). The available evidence is insufficient to determine the role of this variant in disease conclusively. Therefore, this variant is classified as a Variant of Uncertain Significance.

Ambry Genetics
Classification: Uncertain significance for Hereditary cancer-predisposing syndrome. Last evaluated: 2020-09-22. Review status: criteria provided, single submitter. Criteria: Ambry Variant Classification Scheme 2023. Collection method: clinical testing. Allele origin: germline.
Comment: The p.P1523L variant (also known as c.4568C>T), located in coding exon 13 of the BRCA1 gene, results from a C to T substitution at nucleotide position 4568. The proline at codon 1523 is replaced by leucine, an amino acid with similar properties. This amino acid position is poorly conserved in available vertebrate species. In addition, the in silico prediction for this alteration is inconclusive. Since supporting evidence is limited at this time, the clinical significance of this alteration remains unclear.

Women's Health and Genetics/Laboratory Corporation of America, LabCorp
Classification: Uncertain significance. Last evaluated: 2016-07-25. Review status: criteria provided, single submitter. Criteria: LabCorp Variant Classification Summary - May 2015. Collection method: clinical testing. Allele origin: germline.
Comment: Variant summary: The BRCA1 c.4568C>T (p.Pro1523Leu) variant involves the alteration of a non-conserved nucleotide. 2/4 in silico tools predict a benign outcome for this variant (SNPs&GO not captured due to low reliability index). This variant was absent in 121380 control chromosomes. The variant of interest has not, to our knowledge, been reported in affected individuals via publications and/or reputable databases/clinical diagnostic laboratories; nor evaluated for functional impact by in vivo/vitro studies. Because of the absence of clinical information and the lack of functional studies, the variant is classified as a variant of uncertain significance (VUS) until additional information becomes available.

NM_007294.4(BRCA1):c.4568C>T (p.Pro1523Leu)

Gene: BRCA1 (BRCA1 DNA repair associated; minus strand). Cytogenetic location: 17q21.31.
Variant type: single nucleotide variant.
Coding change: c.4568C>T on transcript NM_007294.4 (MANE Select); coding-DNA position 4568, C replaced by T.
Protein change: p.Pro1523Leu; replaces proline 1523 with leucine.
Molecular consequence: missense variant. On other transcripts: non-coding transcript variant (1).
Genome position (GRCh38, 1-based): chr17:43,074,438, G>A on the plus strand (C>T on the coding strand, the complement: BRCA1 is on the minus strand). VCF-style: chr17-43074438-G-A. GRCh37 (hg19) VCF-style: chr17-41226455-G-A.
Other names: c.4232C>T, p.Pro1411Leu (NM_001407951.1, NM_001407952.1, NM_001407953.1 and 3 more transcripts); c.4229C>T, p.Pro1410Leu (NM_001407956.1, NM_001407957.1, NM_001407958.1); c.4187C>T, p.Pro1396Leu (NM_001407959.1); c.4184C>T, p.Pro1395Leu (NM_001407960.1, NM_001407962.1); c.4181C>T, p.Pro1394Leu (NM_001407963.1); c.4061C>T, p.Pro1354Leu (NM_001407965.1); c.3680C>T, p.Pro1227Leu (NM_001407966.1); c.3677C>T, p.Pro1226Leu (NM_001407967.1); and 68 more; short protein forms P1523L, P1544L, P1476L, P419L, P1227L, P1410L, P1412L, P1434L.
Identifiers: ClinVar variation 482903 (VCV000482903.8), dbSNP rs1555581955, ClinGen allele CA10592376.
Genomic context (GRCh38, chr17:43,074,438, plus strand): 5'-CCAGACTCTTCCAGCTGTTGCTCCTCCACATCAACAACCTTAATGAGCTCCTCTTGAGAT[G>A]GGTAGTTTCTATTCTGAAGACTCCCAGAGCAACTGTGCATGTACCACCTATCATCTAATG-3'
Protein context (NP_009225.1, residues 1513-1533): CSGSLQNRNY[Pro1523Leu]SQEELIKVVD